The following is an entry in ClinVar:

ClinVar aggregate classification (germline): Uncertain significance. Review status: criteria provided, multiple submitters, no conflicts (2 of 4 stars). 4 submissions from 4 submitters: Uncertain significance (2). 2 of the submissions do not count toward it. Last evaluated 2021-08-31.

Conditions:
Niemann-Pick disease, type C1. Also called: NIEMANN-PICK DISEASE, VARIANT TYPE C1; NEUROVISCERAL STORAGE DISEASE WITH VERTICAL SUPRANUCLEAR OPHTHALMOPLEGIA; NIEMANN-PICK DISEASE WITH CHOLESTEROL ESTERIFICATION BLOCK; NIEMANN-PICK DISEASE WITHOUT SPHINGOMYELINASE DEFICIENCY; NIEMANN-PICK DISEASE, CHRONIC NEURONOPATHIC FORM. Identifiers: Orphanet 646, MedGen C3179455, MONDO:0009757, OMIM 257220.

Allele frequency attached by ClinVar (database versions not stated): gnomAD exomes below 0.00001 and 0.00001; TOPMed below 0.00001; ExAC 0.00001.

Submissions (4):

Labcorp Genetics (formerly Invitae), Labcorp
Classification: Uncertain significance for Niemann-Pick disease, type C1. Last evaluated: 2021-08-31. Review status: criteria provided, single submitter. Criteria: Invitae Variant Classification Sherloc (09022015). Collection method: clinical testing. Allele origin: germline.
Comment: This sequence change replaces alanine with glutamic acid at codon 745 of the NPC1 protein (p.Ala745Glu). The alanine residue is moderately conserved and there is a moderate physicochemical difference between alanine and glutamic acid. This variant is present in population databases (rs752386083, ExAC 0.002%). This missense change has been observed in individual(s) with Niemann-Pick type C (PMID: 12955717). Algorithms developed to predict the effect of missense changes on protein structure and function are either unavailable or do not agree on the potential impact of this missense change (SIFT: "Deleterious"; PolyPhen-2: "Probably Damaging"; Align-GVGD: "Class C0"). In summary, the available evidence is currently insufficient to determine the role of this variant in disease. Therefore, it has been classified as a Variant of Uncertain Significance.

Fulgent Genetics
Classification: Uncertain significance for Niemann-Pick disease, type C1. Last evaluated: 2021-08-02. Review status: criteria provided, single submitter. Criteria: ACMG Guidelines, 2015. Collection method: clinical testing. Allele origin: unknown.

Natera, Inc.
Classification: Uncertain significance for Niemann-Pick disease type C1. Last evaluated: 2025-04-04. Review status: no assertion criteria provided. Collection method: clinical testing. Allele origin: germline. Not counted in ClinVar's aggregate classification.

Counsyl
Classification: Uncertain significance for Niemann-Pick disease, type C1. Last evaluated: 2018-02-13. Review status: no assertion criteria provided. Collection method: clinical testing. Allele origin: unknown. Not counted in ClinVar's aggregate classification.

Literature cited by the submitters: PubMed 12955717 (cited by Labcorp Genetics (formerly Invitae), Labcorp and Counsyl).

NM_000271.5(NPC1):c.2234C>A (p.Ala745Glu)

Gene: NPC1 (NPC intracellular cholesterol transporter 1; minus strand). Cytogenetic location: 18q11.2.
Variant type: single nucleotide variant.
Coding change: c.2234C>A on transcript NM_000271.5 (MANE Select); coding-DNA position 2234, C replaced by A.
Protein change: p.Ala745Glu; replaces alanine 745 with glutamic acid.
Molecular consequence: missense variant.
Genome position (GRCh38, 1-based): chr18:23,543,466, G>T on the plus strand (C>A on the coding strand, the complement: NPC1 is on the minus strand). VCF-style: chr18-23543466-G-T. GRCh37 (hg19) VCF-style: chr18-21123430-G-T.
Other names: short protein forms A745E.
Identifiers: ClinVar variation 556699 (VCV000556699.10), dbSNP rs752386083, ClinGen allele CA8913183.
Genomic context (GRCh38, chr18:23,543,466, plus strand): 5'-CTCCAGGCTCAGCAGACTACAGGACTGGTAGGATTGAAAGCATAATTACCTAAGAAAAAT[G>T]CTACAGTCTCAGAAAAGGATGACAGGAACATACTGGGAGCCACTTCTCCTAGGACCCTGC-3'
Protein context (NP_000262.2, residues 735-755): MFLSSFSETV[Ala745Glu]FFLGALSVMP